The following is an entry in ClinVar:

NM_030773.4(TUBB1):c.611A>G (p.Asn204Ser)

Gene: TUBB1 (tubulin beta 1 class VI; plus strand). Cytogenetic location: 20q13.32.
Variant type: single nucleotide variant.
Coding change: c.611A>G on transcript NM_030773.4 (MANE Select); coding-DNA position 611, A replaced by G.
Protein change: p.Asn204Ser; replaces asparagine 204 with serine.
Molecular consequence: missense variant.
Genome position (GRCh38, 1-based): chr20:59,024,038, A>G. VCF-style: chr20-59024038-A-G. GRCh37 (hg19) VCF-style: chr20-57599093-A-G.
Other names: short protein forms N204S.
Identifiers: ClinVar variation 3699009 (VCV003699009.2).
Genomic context (GRCh38, chr20:59,024,038, plus strand): 5'-ACGCGGTTCTGTCTATCCACCAGCTGATTGAGAATGCAGATGCCTGTTTCTGCATTGACA[A>G]TGAGGCCCTCTATGACATCTGCTTCCGTACCCTGAAGCTGACGACACCCACCTATGGGGA-3'
Protein context (NP_110400.1, residues 194-214): ENADACFCID[Asn204Ser]EALYDICFRT

ClinVar aggregate classification (germline): Uncertain significance (1 of 4 stars; one submission).

gnomAD v4.1: 7 of 1,614,198 alleles (0.00043%); highest among the groups gnomAD compares: Non-Finnish European, 0.00059%; no homozygotes.

Submission:

Labcorp Genetics (formerly Invitae), Labcorp
Classification: Uncertain significance. Last evaluated: 2024-06-21. Review status: criteria provided, single submitter. Criteria: Invitae Variant Classification Sherloc (09022015). Collection method: clinical testing. Allele origin: germline.
Comment: This sequence change replaces asparagine, which is neutral and polar, with serine, which is neutral and polar, at codon 204 of the TUBB1 protein (p.Asn204Ser). This variant is present in population databases (no rsID available, gnomAD 0.002%). This variant has not been reported in the literature in individuals affected with TUBB1-related conditions. Advanced modeling of protein sequence and biophysical properties (such as structural, functional, and spatial information, amino acid conservation, physicochemical variation, residue mobility, and thermodynamic stability) performed at Invitae indicates that this missense variant is expected to disrupt TUBB1 protein function with a positive predictive value of 80%. In summary, the available evidence is currently insufficient to determine the role of this variant in disease. Therefore, it has been classified as a Variant of Uncertain Significance.